The following is an entry in ClinVar:

NM_006904.7(PRKDC):c.3635T>G (p.Leu1212Arg)

Gene: PRKDC (protein kinase, DNA-activated, catalytic subunit; minus strand). Cytogenetic location: 8q11.21.
Variant type: single nucleotide variant.
Coding change: c.3635T>G on transcript NM_006904.7 (MANE Select); coding-DNA position 3635, T replaced by G.
Protein change: p.Leu1212Arg; replaces leucine 1212 with arginine.
Molecular consequence: missense variant.
Genome position (GRCh38, 1-based): chr8:47,893,351, A>C on the plus strand (T>G on the coding strand, the complement: PRKDC is on the minus strand). VCF-style: chr8-47893351-A-C. GRCh37 (hg19) VCF-style: chr8-48805911-A-C.
Other names: c.3635T>G, p.Leu1212Arg (NM_001081640.2); short protein forms L1212R.
Identifiers: ClinVar variation 1733445 (VCV001733445.2), dbSNP rs2551874357, ClinGen allele CA371151100.

ClinVar aggregate classification (germline): Uncertain significance (1 of 4 stars; one submission).

Submission:

Ambry Genetics
Classification: Uncertain significance. Last evaluated: 2022-06-09. Review status: criteria provided, single submitter. Criteria: Ambry Variant Classification Scheme 2023. Collection method: clinical testing. Allele origin: germline.
Comment: The p.L1212R variant (also known as c.3635T>G), located in coding exon 31 of the PRKDC gene, results from a T to G substitution at nucleotide position 3635. The leucine at codon 1212 is replaced by arginine, an amino acid with dissimilar properties. This amino acid position is conserved. In addition, the in silico prediction for this alteration is inconclusive. Since supporting evidence is limited at this time, the clinical significance of this alteration remains unclear.